The following is an entry in ClinVar:

NM_001267550.2(TTN):c.25064C>T (p.Ala8355Val)

Gene: TTN (titin; minus strand). Cytogenetic location: 2q31.2.
Variant type: single nucleotide variant.
Coding change: c.25064C>T on transcript NM_001267550.2 (MANE Select); coding-DNA position 25064, C replaced by T.
Protein change: p.Ala8355Val; replaces alanine 8355 with valine.
Molecular consequence: missense variant. On other transcripts: intron variant (3).
Genome position (GRCh38, 1-based): chr2:178,717,810, G>A on the plus strand (C>T on the coding strand, the complement: TTN is on the minus strand). VCF-style: chr2-178717810-G-A. GRCh37 (hg19) VCF-style: chr2-179582537-G-A.
Other names: c.24113C>T, p.Ala8038Val (NM_001256850.1); c.21332C>T, p.Ala7111Val (NM_133378.4); c.13282+20272C>T (NM_003319.4); c.13858+20272C>T (NM_133437.4); c.13657+20272C>T (NM_133432.3); c.25064C>T (NM_001267550.1); short protein forms A7111V, A8038V, A8355V.
Identifiers: ClinVar variation 1301280 (VCV001301280.3), dbSNP rs2627043, ClinGen allele CA60970289.

ClinVar aggregate classification (germline): Uncertain significance (1 of 4 stars; one submission).

gnomAD v4.1: 8 of 1,601,054 alleles (0.0005%); highest among the groups gnomAD compares: Admixed American, 0.0017%; no homozygotes.

Submission:

GeneDx
Classification: Uncertain significance. Last evaluated: 2024-08-15. Review status: criteria provided, single submitter. Criteria: GeneDx Variant Classification Process June 2021. Collection method: clinical testing. Allele origin: germline. Affected: yes.
Comment: Has not been previously published as pathogenic or benign to our knowledge; Not observed at significant frequency in large population cohorts (gnomAD); Missense variant in a gene in which most reported pathogenic variants are truncating/loss-of-function